The following is an entry in ClinVar:

NM_006939.4(SOS2):c.1778G>A (p.Arg593Lys)

Gene: SOS2 (SOS Ras/Rho guanine nucleotide exchange factor 2; minus strand). Cytogenetic location: 14q21.3.
Variant type: single nucleotide variant.
Coding change: c.1778G>A on transcript NM_006939.4 (MANE Select); coding-DNA position 1778, G replaced by A.
Protein change: p.Arg593Lys; replaces arginine 593 with lysine.
Molecular consequence: missense variant.
Genome position (GRCh38, 1-based): chr14:50,159,505, C>T on the plus strand (G>A on the coding strand, the complement: SOS2 is on the minus strand). VCF-style: chr14-50159505-C-T. GRCh37 (hg19) VCF-style: chr14-50626223-C-T.
Other names: c.1679G>A, p.Arg560Lys (NM_001411020.1); short protein forms R560K, R593K.
Identifiers: ClinVar variation 4709548 (VCV004709548.1).

ClinVar aggregate classification (germline): Uncertain significance (1 of 4 stars; one submission).

Conditions:
Noonan syndrome 9 (NS9). Identifiers: Orphanet 648, MedGen C4225282, MONDO:0014691, OMIM 616559.

Submission:

Labcorp Genetics (formerly Invitae), Labcorp
Classification: Uncertain significance for Noonan syndrome 9. Last evaluated: 2025-12-26. Review status: criteria provided, single submitter. Criteria: Invitae Variant Classification Sherloc (09022015). Collection method: clinical testing. Allele origin: germline.
Comment: This sequence change replaces arginine, which is basic and polar, with lysine, which is basic and polar, at codon 593 of the SOS2 protein (p.Arg593Lys). This variant is not present in population databases (gnomAD no frequency). This variant has not been reported in the literature in individuals affected with SOS2-related conditions. Invitae Evidence Modeling of protein sequence and biophysical properties (such as structural, functional, and spatial information, amino acid conservation, physicochemical variation, residue mobility, and thermodynamic stability) indicates that this missense variant is not expected to disrupt SOS2 protein function with a negative predictive value of 95%. In summary, the available evidence is currently insufficient to determine the role of this variant in disease. Therefore, it has been classified as a Variant of Uncertain Significance.